The following is an entry in ClinVar:

NM_001127222.2(CACNA1A):c.2899_2900delinsTT (p.Glu967Leu)

Gene: CACNA1A (calcium voltage-gated channel subunit alpha1 A; minus strand). Cytogenetic location: 19p13.13.
Variant type: Indel.
Coding change: c.2899_2900delinsTT on transcript NM_001127222.2 (MANE Select); coding-DNA positions 2899 to 2900, GA replaced by TT.
Protein change: p.Glu967Leu; replaces glutamic acid 967 with leucine.
Molecular consequence: missense variant.
Genome position (GRCh38, 1-based): chr19:13,298,733-13,298,734, TC replaced by AA on the plus strand (GA replaced by TT on the coding strand, the reverse complement: CACNA1A is on the minus strand). VCF-style: chr19-13298733-TC-AA. GRCh37 (hg19) VCF-style: chr19-13409547-TC-AA.
Other names: c.2911_2912delinsTT, p.Glu971Leu (NM_000068.4, NM_023035.3); c.2902_2903delinsTT, p.Glu968Leu (NM_001127221.2, NM_001174080.2); short protein forms E967L, E971L, E968L.
Identifiers: ClinVar variation 1504789 (VCV001504789.6), dbSNP rs2144953620, ClinGen allele CA2573156119.

ClinVar aggregate classification (germline): Uncertain significance (1 of 4 stars; one submission).

Conditions:
Episodic ataxia type 2 (EA2). Also called: ATAXIA, EPISODIC, WITH NYSTAGMUS; ATAXIA, FAMILIAL PAROXYSMAL; CEREBELLAR ATAXIA, PAROXYSMAL, ACETAZOLAMIDE-RESPONSIVE; CEREBELLOPATHY, HEREDITARY PAROXYSMAL; ACETAZOLAMIDE-RESPONSIVE HEREDITARY PAROXYSMAL CEREBELLAR ATAXIA; EPISODIC ATAXIA, NYSTAGMUS-ASSOCIATED. Identifiers: Orphanet 97, MedGen C1720416, MONDO:0007163, OMIM 108500.
Developmental and epileptic encephalopathy, 42 (DEE42A). Also called: DEVELOPMENTAL AND EPILEPTIC ENCEPHALOPATHY 42A; EPILEPTIC ENCEPHALOPATHY, EARLY INFANTILE, 42A; Epileptic encephalopathy, early infantile, 42. Identifiers: MedGen C4310716, MONDO:0014917, OMIM 617106.

Submission:

Labcorp Genetics (formerly Invitae), Labcorp
Classification: Uncertain significance for Developmental and epileptic encephalopathy, 42; Episodic ataxia type 2. Last evaluated: 2021-01-27. Review status: criteria provided, single submitter. Criteria: Invitae Variant Classification Sherloc (09022015). Collection method: clinical testing. Allele origin: germline.
Comment: In summary, the available evidence is currently insufficient to determine the role of this variant in disease. Therefore, it has been classified as a Variant of Uncertain Significance. Algorithms developed to predict the effect of missense changes on protein structure and function are either unavailable or do not agree on the potential impact of this missense change (SIFT: "Not Available"; PolyPhen-2: "Benign"; Align-GVGD: "Not Available"). This variant has not been reported in the literature in individuals with CACNA1A-related conditions. The frequency data for this variant in the population databases is considered unreliable, as metrics indicate insufficient coverage at this position in the ExAC database. This sequence change replaces glutamic acid with leucine at codon 968 of the CACNA1A protein (p.Glu968Leu). The glutamic acid residue is moderately conserved and there is a moderate physicochemical difference between glutamic acid and leucine.